The following is an entry in ClinVar:

NM_020987.5(ANK3):c.6152A>G (p.Tyr2051Cys)

Gene: ANK3 (ankyrin 3; minus strand). Cytogenetic location: 10q21.2.
Variant type: single nucleotide variant.
Coding change: c.6152A>G on transcript NM_020987.5 (MANE Select); coding-DNA position 6152, A replaced by G.
Protein change: p.Tyr2051Cys; replaces tyrosine 2051 with cysteine.
Molecular consequence: missense variant. On other transcripts: intron variant (4).
Genome position (GRCh38, 1-based): chr10:60,074,729, T>C on the plus strand (A>G on the coding strand, the complement: ANK3 is on the minus strand). VCF-style: chr10-60074729-T-C. GRCh37 (hg19) VCF-style: chr10-61834487-T-C.
Other names: c.4387+5808A>G (NM_001204403.2); c.4408+5808A>G (NM_001204404.2); c.4405+5808A>G (NM_001320874.2); c.1807+5808A>G (NM_001149.4); short protein forms Y2051C.
Identifiers: ClinVar variation 3678544 (VCV003678544.2).

ClinVar aggregate classification (germline): Uncertain significance (1 of 4 stars; one submission).

Submission:

Labcorp Genetics (formerly Invitae), Labcorp
Classification: Uncertain significance. Last evaluated: 2025-08-14. Review status: criteria provided, single submitter. Criteria: Invitae Variant Classification Sherloc (09022015). Collection method: clinical testing. Allele origin: germline.
Comment: This sequence change replaces tyrosine, which is neutral and polar, with cysteine, which is neutral and slightly polar, at codon 2051 of the ANK3 protein (p.Tyr2051Cys). This variant is not present in population databases (gnomAD no frequency). This variant has not been reported in the literature in individuals affected with ANK3-related conditions. ClinVar contains an entry for this variant (Variation ID: 3678544). Invitae Evidence Modeling of protein sequence and biophysical properties (such as structural, functional, and spatial information, amino acid conservation, physicochemical variation, residue mobility, and thermodynamic stability) indicates that this missense variant is not expected to disrupt ANK3 protein function with a negative predictive value of 80%. In summary, the available evidence is currently insufficient to determine the role of this variant in disease. Therefore, it has been classified as a Variant of Uncertain Significance.